The following is an entry in ClinVar:

NM_013328.4(PYCR2):c.598C>T (p.Arg200Cys)

Gene: PYCR2 (pyrroline-5-carboxylate reductase 2; minus strand). Cytogenetic location: 1q42.12.
Variant type: single nucleotide variant.
Coding change: c.598C>T on transcript NM_013328.4 (MANE Select); coding-DNA position 598, C replaced by T.
Protein change: p.Arg200Cys; replaces arginine 200 with cysteine.
Molecular consequence: missense variant.
Genome position (GRCh38, 1-based): chr1:225,921,587, G>A on the plus strand (C>T on the coding strand, the complement: PYCR2 is on the minus strand). VCF-style: chr1-225921587-G-A. GRCh37 (hg19) VCF-style: chr1-226109287-G-A.
Other names: c.598C>T (NM_013328.2); c.376C>T, p.Arg126Cys (NM_001271681.2); short protein forms R126C, R200C.
Identifiers: ClinVar variation 1446941 (VCV001446941.10), dbSNP rs199945116, ClinGen allele CA1420162.

ClinVar aggregate classification (germline): Uncertain significance. Review status: criteria provided, multiple submitters, no conflicts (2 of 4 stars). 3 submissions from 3 submitters: Uncertain significance (3). Last evaluated 2025-01-27.

Conditions:
Inborn genetic diseases. Identifiers: MedGen C0950123, MeSH D030342.

Allele frequency attached by ClinVar (database versions not stated): gnomAD exomes 0.00001; ExAC 0.00002; TOPMed 0.00002; gnomAD 0.00003.

Submissions (3):

Labcorp Genetics (formerly Invitae), Labcorp
Classification: Uncertain significance. Last evaluated: 2025-01-27. Review status: criteria provided, single submitter. Criteria: Invitae Variant Classification Sherloc (09022015). Collection method: clinical testing. Allele origin: germline.
Comment: This sequence change replaces arginine, which is basic and polar, with cysteine, which is neutral and slightly polar, at codon 200 of the PYCR2 protein (p.Arg200Cys). This variant is present in population databases (rs199945116, gnomAD 0.003%). This variant has not been reported in the literature in individuals affected with PYCR2-related conditions. ClinVar contains an entry for this variant (Variation ID: 1446941). Invitae Evidence Modeling of protein sequence and biophysical properties (such as structural, functional, and spatial information, amino acid conservation, physicochemical variation, residue mobility, and thermodynamic stability) indicates that this missense variant is not expected to disrupt PYCR2 protein function with a negative predictive value of 80%. Algorithms developed to predict the effect of sequence changes on RNA splicing suggest that this variant may disrupt the consensus splice site. In summary, the available evidence is currently insufficient to determine the role of this variant in disease. Therefore, it has been classified as a Variant of Uncertain Significance.

Blueprint Genetics
Classification: Uncertain significance. Last evaluated: 2024-10-28. Review status: criteria provided, single submitter. Criteria: ACMG Guidelines, 2015. Collection method: clinical testing. Allele origin: germline.

Ambry Genetics
Classification: Uncertain significance for Inborn genetic diseases. Last evaluated: 2024-05-21. Review status: criteria provided, single submitter. Criteria: Ambry Variant Classification Scheme 2023. Collection method: clinical testing. Allele origin: germline.